The following is an entry in ClinVar:

ClinVar aggregate classification (germline): Uncertain significance (1 of 4 stars; one submission).

Conditions:
Charcot-Marie-Tooth disease type 4. Also called: Charcot-Marie-Tooth disease, type IV; Charcot-Marie-Tooth, Type 4. Identifiers: Orphanet 64749, MedGen C4082197, MONDO:0018995.

Allele frequency attached by ClinVar (database versions not stated): TOPMed 0.00001; ExAC 0.00003; gnomAD 0.00003; 1000 Genomes Project 30x 0.00016; 1000 Genomes Project 0.00020.
gnomAD v4.1: 17 of 1,613,494 alleles (0.0011%); highest among the groups gnomAD compares: Admixed American, 0.022%; no homozygotes.

Submission:

Labcorp Genetics (formerly Invitae), Labcorp
Classification: Uncertain significance for Charcot-Marie-Tooth disease type 4. Last evaluated: 2022-09-19. Review status: criteria provided, single submitter. Criteria: Invitae Variant Classification Sherloc (09022015). Collection method: clinical testing. Allele origin: germline.
Comment: This sequence change replaces arginine, which is basic and polar, with histidine, which is basic and polar, at codon 197 of the FIG4 protein (p.Arg197His). This variant is present in population databases (rs543462663, gnomAD 0.02%). This missense change has been observed in individual(s) with frontotemporal dementia and amyotrophic lateral sclerosis (PMID: 28889094). Algorithms developed to predict the effect of missense changes on protein structure and function output the following: SIFT: "Tolerated"; PolyPhen-2: "Benign"; Align-GVGD: "Class C0". The histidine amino acid residue is found in multiple mammalian species, which suggests that this missense change does not adversely affect protein function. In summary, the available evidence is currently insufficient to determine the role of this variant in disease. Therefore, it has been classified as a Variant of Uncertain Significance.

Literature cited by the submitters: PubMed 28889094.

NM_014845.6(FIG4):c.590G>A (p.Arg197His)

Gene: FIG4 (FIG4 phosphoinositide 5-phosphatase; plus strand). Cytogenetic location: 6q21.
Variant type: single nucleotide variant.
Coding change: c.590G>A on transcript NM_014845.6 (MANE Select); coding-DNA position 590, G replaced by A.
Protein change: p.Arg197His; replaces arginine 197 with histidine.
Molecular consequence: missense variant.
Genome position (GRCh38, 1-based): chr6:109,735,242, G>A. VCF-style: chr6-109735242-G-A. GRCh37 (hg19) VCF-style: chr6-110056445-G-A.
Other names: short protein forms R197H.
Identifiers: ClinVar variation 2189931 (VCV002189931.1), dbSNP rs543462663, ClinGen allele CA3955843.